The following is an entry in ClinVar:

ClinVar aggregate classification (germline): Benign. Review status: criteria provided, multiple submitters, no conflicts (2 of 4 stars). 3 submissions from 3 submitters: Benign (3). Last evaluated 2025-01-31.

Conditions:
KYNU-related disorder. Also called: KYNU-related disorders; KYNU-related condition.

Allele frequency attached by ClinVar (database versions not stated): gnomAD exomes 0.00051 and 0.00140; ExAC 0.00167; gnomAD 0.00543 and 0.00580; ESP Exome Variant Server 0.00561; 1000 Genomes Project 0.00599; 1000 Genomes Project 30x 0.00625; TOPMed 0.00636.
gnomAD v4.1: 1,613 of 1,613,132 alleles (0.1%); highest among the groups gnomAD compares: African/African-American, 1.9%; 15 homozygotes.

Submissions (3):

PreventionGenetics, part of Exact Sciences
Classification: Benign for KYNU-related condition. Last evaluated: 2025-01-31. Review status: criteria provided, single submitter. Criteria: ACMG Guidelines, 2015. Collection method: clinical testing. Allele origin: germline.
Comment: This variant is classified as benign based on ACMG/AMP sequence variant interpretation guidelines (Richards et al. 2015 PMID: 25741868, with internal and published modifications).

Labcorp Genetics (formerly Invitae), Labcorp
Classification: Benign. Last evaluated: 2019-12-31. Review status: criteria provided, single submitter. Criteria: Invitae Variant Classification Sherloc (09022015). Collection method: clinical testing. Allele origin: germline.

Breakthrough Genomics
Classification: Benign. Review status: criteria provided, single submitter. Criteria: ACMG Guidelines, 2015. Collection method: not provided. Allele origin: germline. Inheritance: Autosomal recessive inheritance. Affected: yes.

NM_003937.3(KYNU):c.585G>A (p.Gly195=)

Gene: KYNU (kynureninase; plus strand). Cytogenetic location: 2q22.2.
Variant type: single nucleotide variant.
Coding change: c.585G>A on transcript NM_003937.3 (MANE Select); coding-DNA position 585, G replaced by A.
Protein change: p.Gly195=; no amino-acid change (glycine 195 retained).
Molecular consequence: synonymous variant.
Genome position (GRCh38, 1-based): chr2:142,960,626, G>A. VCF-style: chr2-142960626-G-A. GRCh37 (hg19) VCF-style: chr2-143718195-G-A.
Other names: c.585G>A, p.Gly195= (NM_001032998.2, NM_001199241.2).
Identifiers: ClinVar variation 711853 (VCV000711853.6), dbSNP rs6743085, ClinGen allele CA1896776.